The following is an entry in ClinVar:

ClinVar aggregate classification (germline): Conflicting classifications of pathogenicity. Review status: criteria provided, conflicting classifications (1 of 4 stars). 5 submissions from 5 submitters: Uncertain significance (2); Benign (1); Likely benign (2). Last evaluated 2026-09-01.

Conditions:
Autosomal recessive Alport syndrome (ATS2). Also called: COL4A3-Related Nephropathy; Alport syndrome type 2; COL4A4 Alport Syndrome and Thin Basement Membrane Nephropathy; ALPORT SYNDROME 2, AUTOSOMAL RECESSIVE. Identifiers: Orphanet 63, Orphanet 88919, MedGen C4746745, MONDO:0008762, OMIM 203780.
Alport syndrome. Also called: Hemorrhagic familial nephritis; Hemorrhagic hereditary nephritis; Congenital hereditary hematuria. Identifiers: Orphanet 63, MedGen C1567741, MONDO:0018965.

Allele frequency attached by ClinVar (database versions not stated): 1000 Genomes Project 0.00300; 1000 Genomes Project 30x 0.00312; gnomAD 0.00551 and 0.00562; TOPMed 0.00555.
gnomAD v4.1: 5,973 of 929,392 alleles (0.64%); highest among the groups gnomAD compares: Non-Finnish European, 0.89%; 30 homozygotes.

Submissions (8):

CeGaT Center for Human Genetics Tuebingen
Classification: Likely benign. Last evaluated: 2026-09-01. Review status: criteria provided, single submitter. Criteria: CeGaT Center For Human Genetics Tuebingen Variant Classification Criteria Version 2. Collection method: clinical testing. Allele origin: germline. Affected: yes. Observed: 19 variant alleles.
Comment: COL4A4: PP3, BS2

CENTOGENE GmbH and LLC - Guiding Precision Medicine
Classification: Uncertain significance for Autosomal recessive Alport syndrome. Last evaluated: 2022-02-21. Review status: criteria provided, single submitter. Criteria: ACMG Guidelines, 2015. Collection method: clinical testing. Allele origin: germline. Affected: yes.

Department of Pathology and Laboratory Medicine, Sinai Health System
Classification: Uncertain significance for Alport syndrome. Last evaluated: 2021-07-30. Review status: criteria provided, single submitter. Criteria: ACMG Guidelines, 2015. Collection method: research. Allele origin: germline.

GeneDx
Classification: Benign. Last evaluated: 2020-09-11. Review status: criteria provided, single submitter. Criteria: GeneDx Variant Classification Process June 2021. Collection method: clinical testing. Allele origin: germline. Affected: yes.

Illumina Laboratory Services, Illumina
Classification: Likely benign for Alport syndrome. Last evaluated: 2017-04-27. Review status: criteria provided, single submitter. Criteria: ICSL Variant Classification Criteria 13 December 2019. Collection method: clinical testing. Allele origin: germline.
Comment: This variant was observed as part of a predisposition screen in an ostensibly healthy population. A literature search was performed for the gene, cDNA change, and amino acid change (where applicable). Publications were found based on this search. The evidence from the literature, in combination with allele frequency data from public databases where available, was sufficient to determine this variant is unlikely to cause disease. Therefore, this variant is classified as likely benign.

Dr. Peter K. Rogan Lab, Western University
No classification provided (evidence only). Condition: Lung cancer. Review status: no classification provided. Collection method: in vitro. Allele origin: not applicable. Functional consequence: retained intron. Not counted in ClinVar's aggregate classification.

Dr. Peter K. Rogan Lab, Western University
No classification provided (evidence only). Condition: Ovarian serous cystadenocarcinoma. Review status: no classification provided. Collection method: in vitro. Allele origin: not applicable. Functional consequence: retained intron. Not counted in ClinVar's aggregate classification.

Dr. Peter K. Rogan Lab, Western University
No classification provided (evidence only). Condition: Gastric cancer. Review status: no classification provided. Collection method: in vitro. Allele origin: not applicable. Functional consequence: retained intron. Not counted in ClinVar's aggregate classification.

Literature cited by the submitters: PubMed 25514610 (cited by Illumina Laboratory Services, Illumina).

NM_000092.5(COL4A4):c.-101-4A>G

Gene: COL4A4 (collagen type IV alpha 4 chain; minus strand). Cytogenetic location: 2q36.3.
Variant type: single nucleotide variant.
Coding change: c.-101-4A>G on transcript NM_000092.5 (MANE Select); 4 bases into the intron before 101 bases upstream of the start codon, A replaced by G.
Molecular consequence: intron variant.
Genome position (GRCh38, 1-based): chr2:227,147,588, T>C on the plus strand (A>G on the coding strand, the complement: COL4A4 is on the minus strand). VCF-style: chr2-227147588-T-C. GRCh37 (hg19) VCF-style: chr2-228012304-T-C.
Other names: NC_000002.11:g.228012304T>C.
Identifiers: ClinVar variation 683162 (VCV000683162.32), dbSNP rs147186690, ClinGen allele CA66551540.
Genomic context (GRCh38, chr2:227,147,588, plus strand): 5'-CTTCCAGAAGGTTCTTGTTGACAAGTGAGGTTCTGTGTTCTGGGTCAAAGTCTGTTCCTG[T>C]TAGATATAAATATATCACTTAAAACACAGCATGCATTATAATGTTGAAAATAATTACTTT-3'